The following is an entry in ClinVar:

ClinVar aggregate classification (germline): Pathogenic. Review status: criteria provided, multiple submitters, no conflicts (2 of 4 stars). 3 submissions from 3 submitters: Pathogenic (3). Last evaluated 2026-04-16.

Conditions:
NPHP1-related disorder. Also called: NPHP1-related disorders; NPHP1-related condition.
Nephronophthisis. Also called: Juvenile Nephronophthisis. Identifiers: Orphanet 655, MedGen C0687120, MONDO:0019005, HP:0000090.
Nephronophthisis 1 (NPHP1). Also called: Nephronophthisis familial juvenile. Identifiers: Orphanet 655, Orphanet 93592, MedGen C1855681, MONDO:0009728, OMIM 256100.

Submissions (3):

PreventionGenetics, part of Exact Sciences
Classification: Pathogenic for NPHP1-related condition. Last evaluated: 2026-04-16. Review status: criteria provided, single submitter. Criteria: ACMG Guidelines, 2015. Collection method: clinical testing. Allele origin: germline.
Comment: The NPHP1 c.1529_1530delAG variant is predicted to result in a frameshift and premature protein termination (p.Glu510Alafs*10). To our knowledge, this variant has not been reported in the literature or in a large population database (gnomAD), indicating this variant is rare. Frameshift variants in NPHP1 are expected to be pathogenic. This variant is interpreted as pathogenic.

Labcorp Genetics (formerly Invitae), Labcorp
Classification: Pathogenic for Nephronophthisis. Last evaluated: 2025-12-14. Review status: criteria provided, single submitter. Criteria: Invitae Variant Classification Sherloc (09022015). Collection method: clinical testing. Allele origin: germline.
Comment: This sequence change creates a premature translational stop signal (p.Glu510Alafs*10) in the NPHP1 gene. It is expected to result in an absent or disrupted protein product. Loss-of-function variants in NPHP1 are known to be pathogenic (PMID: 23559409). This variant is not present in population databases (gnomAD no frequency). This variant has not been reported in the literature in individuals affected with NPHP1-related conditions. ClinVar contains an entry for this variant (Variation ID: 436026). For these reasons, this variant has been classified as Pathogenic.

Genetic Services Laboratory, University of Chicago
Classification: Pathogenic for Nephronophthisis 1. Last evaluated: 2016-06-30. Review status: criteria provided, single submitter. Criteria: ACMG Guidelines, 2015. Collection method: clinical testing. Allele origin: germline. Affected: yes.

Literature cited by the submitters: PubMed 23559409 (cited by Labcorp Genetics (formerly Invitae), Labcorp).

NM_001128178.3(NPHP1):c.1361_1362del (p.Glu454fs)

Gene: NPHP1 (nephrocystin 1; minus strand). Cytogenetic location: 2q13.
Variant type: Deletion.
Coding change: c.1361_1362del on transcript NM_001128178.3 (MANE Select); coding-DNA positions 1361 to 1362, 2 bases deleted (AG; older notation c.1361_1362delAG).
Protein change: p.Glu454fs; shifts the reading frame from glutamic acid 454.
Molecular consequence: frameshift variant.
Genome position (GRCh38, 1-based): chr2:110,144,560-110,144,561, CT deleted on the plus strand (AG on the coding strand, the reverse complement: NPHP1 is on the minus strand); deleting any 2 consecutive bases within chr2:110,144,560-110,144,562 gives the same sequence; the c. name uses the placement nearest the transcript's 3' end. VCF-style (leftmost placement, unchanged base first): chr2-110144559-GCT-G. GRCh37 (hg19) VCF-style: chr2-110902136-GCT-G.
Other names: c.1529_1530del, p.Glu510fs (NM_000272.5); c.1172_1173del, p.Glu391fs (NM_001128179.3); c.1358_1359del, p.Glu453fs (NM_001374256.1); c.1361_1362del, p.Glu454fs (NM_001374257.1); c.1526_1527del, p.Glu509fs (NM_207181.4); c.1529_1530delAG (NM_000272.3); short protein forms E454fs, E509fs, E391fs, E510fs, E453fs.
Identifiers: ClinVar variation 436026 (VCV000436026.8), dbSNP rs1553484094, ClinGen allele CA645372365.